The following is an entry in ClinVar:

ClinVar aggregate classification (germline): Uncertain significance (1 of 4 stars; one submission).

Conditions:
Progressive familial intrahepatic cholestasis type 2. Identifiers: Orphanet 79304, MedGen C3489789, MONDO:0011156, OMIM 601847.

Submission:

Broad Center for Mendelian Genomics, Broad Institute of MIT and Harvard
Classification: Uncertain significance for Progressive familial intrahepatic cholestasis type 2. Last evaluated: 2025-06-06. Review status: criteria provided, single submitter. Criteria: ACMG/ClinGen CNV Guidelines, 2019. Collection method: curation. Allele origin: unknown. Inheritance: Autosomal recessive inheritance.
Comment: The exon 6-9 del variant in ABCB11 has been reported in one individual with leukoencephalopathy with BSEP deficiency in the homozygous state (PMID: 26516723). An overlapping deletion of similar genomic content to this variant has been identified in 0.003% (1/33816) of African/African American chromosomes by the Genome Aggregation Database, with no homozygotes (gnomAD; Structural variant: DEL_CHR2_D9D83441). Although deletions overlapping the region of this CNV have been seen in the general population in a heterozygous state, its frequency is not high enough to rule out a pathogenic role. This variant is a deletion of four exons and is not predicted to alter the protein reading-frame. Loss of function of the ABCB11 gene is an established disease mechanism in autosomal recessive BSEP deficiency. In summary, the clinical significance of the exon 6-9 deletion variant is uncertain. The ACMG/ClinGen evidence codes and points used in this curation are as follows: 1: 0 points, 2: 0.45 points, 3: 0 points, 4-5: 0.15 points; Total: 0.60 points; Riggs 2020 (PMID: 31690835).

Literature cited by the submitters: PubMed 26516723.

Single allele

Gene: ABCB11 (ATP binding cassette subfamily B member 11; minus strand). Cytogenetic location: 2q31.1.
Variant type: Deletion.
Identifiers: ClinVar variation 4056481 (VCV004056481.1).